The following is an entry in ClinVar:

ClinVar aggregate classification (germline): Conflicting classifications of pathogenicity. Review status: criteria provided, conflicting classifications (1 of 4 stars). 3 submissions from 3 submitters: Uncertain significance (2); Likely benign (1). Last evaluated 2026-04-27.

Conditions:
ADGRV1-related disorder. Also called: ADGRV1-related condition; ADGRV1-related disorders.

Allele frequency attached by ClinVar (database versions not stated): ExAC 0.00001; gnomAD exomes 0.00001; TOPMed 0.00002; ESP Exome Variant Server 0.00008.
gnomAD v4.1: 44 of 1,612,288 alleles (0.0027%); highest among the groups gnomAD compares: Non-Finnish European, 0.0036%; no homozygotes.

Submissions (3):

PreventionGenetics, part of Exact Sciences
Classification: Uncertain significance for ADGRV1-related condition. Last evaluated: 2026-04-27. Review status: criteria provided, single submitter. Criteria: ACMG Guidelines, 2015. Collection method: clinical testing. Allele origin: germline.
Comment: The ADGRV1 c.5041A>G variant is predicted to result in the amino acid substitution p.Ser1681Gly. To our knowledge, this variant has not been reported in the literature. This variant is reported in 0.0065% of alleles in individuals of African descent in gnomAD. At this time, the clinical significance of this variant is uncertain due to the absence of conclusive functional and genetic evidence.

Labcorp Genetics (formerly Invitae), Labcorp
Classification: Likely benign. Last evaluated: 2024-10-15. Review status: criteria provided, single submitter. Criteria: Invitae Variant Classification Sherloc (09022015). Collection method: clinical testing. Allele origin: germline.

Blueprint Genetics
Classification: Uncertain significance. Last evaluated: 2023-08-04. Review status: criteria provided, single submitter. Criteria: ACMG Guidelines, 2015. Collection method: clinical testing. Allele origin: germline.

NM_032119.4(ADGRV1):c.5041A>G (p.Ser1681Gly)

Gene: ADGRV1 (adhesion G protein-coupled receptor V1; plus strand). Cytogenetic location: 5q14.3.
Variant type: single nucleotide variant.
Coding change: c.5041A>G on transcript NM_032119.4 (MANE Select); coding-DNA position 5041, A replaced by G.
Protein change: p.Ser1681Gly; replaces serine 1681 with glycine.
Molecular consequence: missense variant. On other transcripts: non-coding transcript variant (1).
Genome position (GRCh38, 1-based): chr5:90,674,165, A>G. VCF-style: chr5-90674165-A-G. GRCh37 (hg19) VCF-style: chr5-89969982-A-G.
Other names: short protein forms S1681G.
Identifiers: ClinVar variation 843227 (VCV000843227.11), dbSNP rs375085167, ClinGen allele CA3339468.